The following is an entry in ClinVar:

ClinVar aggregate classification (germline): Uncertain significance (1 of 4 stars; one submission).

Submission:

Labcorp Genetics (formerly Invitae), Labcorp
Classification: Uncertain significance. Last evaluated: 2025-12-31. Review status: criteria provided, single submitter. Criteria: Invitae Variant Classification Sherloc (09022015). Collection method: clinical testing. Allele origin: germline.
Comment: This sequence change replaces valine, which is neutral and non-polar, with methionine, which is neutral and non-polar, at codon 378 of the CYP11B1 protein (p.Val378Met). This variant is not present in population databases (gnomAD no frequency). This variant has not been reported in the literature in individuals affected with CYP11B1-related conditions. Invitae Evidence Modeling of protein sequence and biophysical properties (such as structural, functional, and spatial information, amino acid conservation, physicochemical variation, residue mobility, and thermodynamic stability) has been performed for this missense variant. However, the output from this modeling did not meet the statistical confidence thresholds required to predict the impact of this variant on CYP11B1 protein function. In summary, the available evidence is currently insufficient to determine the role of this variant in disease. Therefore, it has been classified as a Variant of Uncertain Significance.

NM_000497.4(CYP11B1):c.1132G>A (p.Val378Met)

Genes: CYP11B1 (cytochrome P450 family 11 subfamily B member 1; minus strand), LOC106799833 (CYP11B1 recombination region; plus strand). Cytogenetic location: 8q24.3.
Variant type: single nucleotide variant.
Coding change: c.1132G>A on transcript NM_000497.4 (MANE Select); coding-DNA position 1132, G replaced by A.
Protein change: p.Val378Met; replaces valine 378 with methionine.
Molecular consequence: missense variant.
Genome position (GRCh38, 1-based): chr8:142,875,302, C>T on the plus strand (G>A on the coding strand, the complement: CYP11B1 is on the minus strand). VCF-style: chr8-142875302-C-T. GRCh37 (hg19) VCF-style: chr8-143956718-C-T.
Other names: c.1132G>A, p.Val378Met (NM_001026213.1); short protein forms V378M.
Identifiers: ClinVar variation 4761029 (VCV004761029.1).